The following is an entry in ClinVar:

ClinVar aggregate classification (germline): Uncertain significance (1 of 4 stars; one submission).

Conditions:
Combined immunodeficiency due to LRBA deficiency. Also called: Common variable immunodeficiency 8, with autoimmunity. Identifiers: Orphanet 445018, MedGen C3553512, MONDO:0013863, OMIM 614700.

gnomAD v4.1: 2 of 1,608,378 alleles (0.00012%); highest among the groups gnomAD compares: Non-Finnish European, 0.000085%; no homozygotes.

Submission:

Labcorp Genetics (formerly Invitae), Labcorp
Classification: Uncertain significance for Combined immunodeficiency due to LRBA deficiency. Last evaluated: 2024-12-15. Review status: criteria provided, single submitter. Criteria: Invitae Variant Classification Sherloc (09022015). Collection method: clinical testing. Allele origin: germline.
Comment: This sequence change replaces tryptophan, which is neutral and slightly polar, with leucine, which is neutral and non-polar, at codon 183 of the LRBA protein (p.Trp183Leu). This variant is not present in population databases (gnomAD no frequency). This variant has not been reported in the literature in individuals affected with LRBA-related conditions. An algorithm developed to predict the effect of missense changes on protein structure and function (PolyPhen-2) suggests that this variant is likely to be disruptive. In summary, the available evidence is currently insufficient to determine the role of this variant in disease. Therefore, it has been classified as a Variant of Uncertain Significance.

NM_001364905.1(LRBA):c.548G>T (p.Trp183Leu)

Gene: LRBA (LPS responsive beige-like anchor protein; minus strand). Cytogenetic location: 4q31.3.
Variant type: single nucleotide variant.
Coding change: c.548G>T on transcript NM_001364905.1 (MANE Select); coding-DNA position 548, G replaced by T.
Protein change: p.Trp183Leu; replaces tryptophan 183 with leucine.
Molecular consequence: missense variant.
Genome position (GRCh38, 1-based): chr4:150,928,517, C>A on the plus strand (G>T on the coding strand, the complement: LRBA is on the minus strand). VCF-style: chr4-150928517-C-A. GRCh37 (hg19) VCF-style: chr4-151849669-C-A.
Other names: c.548G>T, p.Trp183Leu (NM_001367550.1, NM_006726.5, NM_001199282.3); short protein forms W183L.
Identifiers: ClinVar variation 3695769 (VCV003695769.2).